The following is an entry in ClinVar:

NM_018129.4(PNPO):c.784T>C (p.Ter262Gln)

Gene: PNPO (pyridoxamine 5'-phosphate oxidase; plus strand). Cytogenetic location: 17q21.32.
Variant type: single nucleotide variant.
Coding change: c.784T>C on transcript NM_018129.4 (MANE Select); coding-DNA position 784, T replaced by C.
Protein change: p.Ter262Gln.
Molecular consequence: stop lost.
Genome position (GRCh38, 1-based): chr17:47,946,780, T>C. VCF-style: chr17-47946780-T-C. GRCh37 (hg19) VCF-style: chr17-46024146-T-C.
Other names: *262Q.
Identifiers: ClinVar variation 6525 (VCV000006525.2), dbSNP rs104894631, ClinGen allele CA118330.
Genomic context (GRCh38, chr17:47,946,780, plus strand): 5'-CCTTTGGGGCCCATGACCCACCGCGGGGAGGAAGACTGGCTCTATGAGAGACTTGCACCT[T>C]AACTCTGGGACCTGCTGGCCCAGAGTGGAGCTAGGGCTAGGTGTCAAGAGAGGGTGTGGG-3'

ClinVar aggregate classification (germline): Pathogenic. Review status: criteria provided, single submitter (1 of 4 stars). 2 submissions from 2 submitters: Pathogenic (1). 1 of the submissions does not count toward it.

Conditions:
Pyridoxal phosphate-responsive seizures (PNPOD). Also called: Pyridoxine-5'-phosphate oxidase deficiency; Pyridoxal 5'-Phosphate (PLP)-Dependent Epilepsy; SEIZURES, PYRIDOXINE-RESISTANT, PLP-SENSITIVE; EPILEPTIC ENCEPHALOPATHY, NEONATAL, PNPO-RELATED; Pyridoxamine 5-Prime-Phosphate Oxidase Deficiency. Identifiers: Orphanet 79096, MedGen C1864723, MONDO:0012407, OMIM 610090. Disease mechanism: loss of function.

Allele frequency attached by ClinVar (database versions not stated): gnomAD exomes below 0.00001.
gnomAD v4.1: 1 of 1,613,958 alleles (0.000062%); highest among the groups gnomAD compares: Non-Finnish European, 0.000085%; no homozygotes.

Submissions (2):

Neuberg Centre For Genomic Medicine, NCGM
Classification: Pathogenic for Pyridoxal phosphate-responsive seizures. Review status: criteria provided, single submitter. Criteria: ACMG Guidelines, 2015. Collection method: clinical testing. Allele origin: germline. Inheritance: Autosomal recessive inheritance. Affected: yes.
Comment: The stop lost p.*262Qext*28 in PNPO (NM_018129.4) has been previously reported in homozygous form in individuals affected with Pyridoxamine 5'-phosphate oxidase deficiency. Expression studies in Chinese hamster ovary cells showed that the stop codon (X262Q) mutation was null activity mutation (Mills et al, 2005). The p.*262Qext*28 variant is novel (not in any individuals) in gnomAD Exomes and is novel (not in any individuals) in 1000 Genomes. The p.Ter262GlnextTer28 variant in the stop codon (Ter/*) at position 262, changing it to a Glutamine-codon (a no-stop variant) and adding a tail of new amino acids to the protein’s C-terminus, ending at a new stop codon (Ter/*) at position 28. The nucleotide c.784 in PNPO is predicted conserved by GERP++ and PhyloP across 100 vertebrates. For these reasons, this variant has been classified as Pathogenic.

OMIM
Classification: Pathogenic for PYRIDOXAMINE 5-PRIME-PHOSPHATE OXIDASE DEFICIENCY. Last evaluated: 2005-04-15. Review status: no assertion criteria provided. Collection method: literature only. Allele origin: germline. Not counted in ClinVar's aggregate classification.

Literature cited by the submitters: PubMed 15772097 (cited by OMIM).